The following is an entry in ClinVar:

NM_001244008.2(KIF1A):c.3853G>A (p.Glu1285Lys)

Genes: KIF1A (kinesin family member 1A; minus strand), LOC126806583 (P300/CBP strongly-dependent group 1 enhancer GRCh37_chr2:241678910-241680109; plus strand). Cytogenetic location: 2q37.3.
Variant type: single nucleotide variant.
Coding change: c.3853G>A on transcript NM_001244008.2 (MANE Select); coding-DNA position 3853, G replaced by A.
Protein change: p.Glu1285Lys; replaces glutamic acid 1285 with lysine.
Molecular consequence: missense variant.
Genome position (GRCh38, 1-based): chr2:240,740,106, C>T on the plus strand (G>A on the coding strand, the complement: KIF1A is on the minus strand). VCF-style: chr2-240740106-C-T. GRCh37 (hg19) VCF-style: chr2-241679523-C-T.
Other names: c.3577G>A, p.Glu1193Lys (NM_001320705.2, NM_001330289.2, NM_001379638.1); c.3652G>A, p.Glu1218Lys (NM_001330290.2, NM_001379634.1, NM_001379635.1 and 1 more transcripts); c.3928G>A, p.Glu1310Lys (NM_001379631.1); c.3802G>A, p.Glu1268Lys (NM_001379632.1); c.3826G>A, p.Glu1276Lys (NM_001379633.1, NM_001379642.1, NM_001379645.1); c.3550G>A, p.Glu1184Lys (NM_001379636.1, NM_001379639.1, NM_001379641.1 and 6 more transcripts); c.3625G>A, p.Glu1209Lys (NM_001379637.1, NM_001379648.1); c.3547G>A, p.Glu1183Lys (NM_001379640.1); short protein forms E1183K, E1184K, E1193K, E1209K, E1218K, E1268K, E1276K, E1285K.
Identifiers: ClinVar variation 1719257 (VCV001719257.6), dbSNP rs865848577, ClinGen allele CA68151571.

ClinVar aggregate classification (germline): Uncertain significance (1 of 4 stars; one submission).

Conditions:
Hereditary spastic paraplegia 30. Identifiers: Orphanet 101010, MedGen C5235139, MONDO:0012476.
Neuropathy, hereditary sensory, type 2C. Also called: Hereditary sensory and autonomic neuropathy type IIC; KIF1A-Related HSAN2 (HSAN2C). Identifiers: Orphanet 970, MedGen C3280168, MONDO:0013634, OMIM 614213.
Intellectual disability, autosomal dominant 9 (NESCAVS). Also called: NESCAV SYNDROME; KIF1A-Related Neurodevelopmental Disorder. Identifiers: Orphanet 662367, MedGen C5393830, MONDO:0013656, OMIM 614255.

Submission:

Labcorp Genetics (formerly Invitae), Labcorp
Classification: Uncertain significance for Hereditary spastic paraplegia 30; Neuropathy, hereditary sensory, type 2C; Intellectual disability, autosomal dominant 9. Last evaluated: 2022-09-11. Review status: criteria provided, single submitter. Criteria: Invitae Variant Classification Sherloc (09022015). Collection method: clinical testing. Allele origin: germline.
Comment: Advanced modeling of protein sequence and biophysical properties (such as structural, functional, and spatial information, amino acid conservation, physicochemical variation, residue mobility, and thermodynamic stability) performed at Invitae indicates that this missense variant is not expected to disrupt KIF1A protein function. This variant has not been reported in the literature in individuals affected with KIF1A-related conditions. This variant is not present in population databases (gnomAD no frequency). This sequence change replaces glutamic acid, which is acidic and polar, with lysine, which is basic and polar, at codon 1184 of the KIF1A protein (p.Glu1184Lys). In summary, the available evidence is currently insufficient to determine the role of this variant in disease. Therefore, it has been classified as a Variant of Uncertain Significance.